The following is an entry in ClinVar:

NM_024334.3(TMEM43):c.780+16A>G

Gene: TMEM43 (transmembrane protein 43; plus strand). Cytogenetic location: 3p25.1.
Variant type: single nucleotide variant.
Coding change: c.780+16A>G on transcript NM_024334.3 (MANE Select); 16 bases into the intron after coding-DNA position 780, A replaced by G.
Molecular consequence: intron variant.
Genome position (GRCh38, 1-based): chr3:14,135,248, A>G. VCF-style: chr3-14135248-A-G. GRCh37 (hg19) VCF-style: chr3-14176748-A-G.
Identifiers: ClinVar variation 137673 (VCV000137673.12), dbSNP rs146077457, ClinGen allele CA024754.

ClinVar aggregate classification (germline): Benign/Likely benign. Review status: criteria provided, multiple submitters, no conflicts (2 of 4 stars). 5 submissions from 5 submitters: Benign (4); Likely benign (1). Last evaluated 2026-02-02.

Conditions:
Arrhythmogenic right ventricular dysplasia 5. Also called: Arrhythmogenic Right Ventricular Dysplasia/Cardiomyopathy 5; ARRHYTHMOGENIC RIGHT VENTRICULAR DYSPLASIA, FAMILIAL, 5. Identifiers: MedGen C1858379, MONDO:0011459, OMIM 604400.

Allele frequency attached by ClinVar (database versions not stated): gnomAD exomes 0.00006 and 0.00017; ExAC 0.00026; gnomAD 0.00065; TOPMed 0.00066; ESP Exome Variant Server 0.00085; 1000 Genomes Project 0.00100; 1000 Genomes Project 30x 0.00141.

Submissions (5):

Labcorp Genetics (formerly Invitae), Labcorp
Classification: Benign for Arrhythmogenic right ventricular dysplasia 5. Last evaluated: 2026-02-02. Review status: criteria provided, single submitter. Criteria: Invitae Variant Classification Sherloc (09022015). Collection method: clinical testing. Allele origin: germline.

Blueprint Genetics
Classification: Likely benign. Last evaluated: 2022-11-07. Review status: criteria provided, single submitter. Criteria: ACMG Guidelines, 2015. Collection method: clinical testing. Allele origin: germline.

Women's Health and Genetics/Laboratory Corporation of America, LabCorp
Classification: Benign. Last evaluated: 2021-10-09. Review status: criteria provided, single submitter. Criteria: LabCorp Variant Classification Summary - May 2015. Collection method: clinical testing. Allele origin: germline.

GeneDx
Classification: Benign. Last evaluated: 2014-04-27. Review status: criteria provided, single submitter. Criteria: GeneDx Variant Classification (06012015). Collection method: clinical testing. Allele origin: germline. Affected: yes.
Comment: This variant is considered likely benign or benign based on one or more of the following criteria: it is a conservative change, it occurs at a poorly conserved position in the protein, it is predicted to be benign by multiple in silico algorithms, and/or has population frequency not consistent with disease.

Breakthrough Genomics
Classification: Benign. Review status: criteria provided, single submitter. Criteria: ACMG Guidelines, 2015. Collection method: not provided. Allele origin: germline. Inheritance: Autosomal dominant inheritance. Affected: yes.